The following is an entry in ClinVar:

ClinVar aggregate classification (germline): Likely benign. Review status: criteria provided, multiple submitters, no conflicts (2 of 4 stars). 3 submissions from 3 submitters: Likely benign (3). Last evaluated 2025-08-10.

Conditions:
Emery-Dreifuss muscular dystrophy 5, autosomal dominant (EDMD5). Also called: EMERY-DREIFUSS MUSCULAR DYSTROPHY 5. Identifiers: Orphanet 261, MedGen C2751805, MONDO:0013072, OMIM 612999.

Allele frequency attached by ClinVar (database versions not stated): ExAC 0.00018; 1000 Genomes Project 0.00060; 1000 Genomes Project 30x 0.00062; ESP Exome Variant Server 0.00069; TOPMed 0.00071; gnomAD 0.00074 and 0.00081.
gnomAD v4.1: 221 of 1,613,980 alleles (0.014%); highest among the groups gnomAD compares: African/African-American, 0.28%; no homozygotes.

Submissions (3):

Labcorp Genetics (formerly Invitae), Labcorp
Classification: Likely benign for Emery-Dreifuss muscular dystrophy 5, autosomal dominant. Last evaluated: 2025-08-10. Review status: criteria provided, single submitter. Criteria: Invitae Variant Classification Sherloc (09022015). Collection method: clinical testing. Allele origin: germline.

CeGaT Center for Human Genetics Tuebingen
Classification: Likely benign. Last evaluated: 2024-04-01. Review status: criteria provided, single submitter. Criteria: CeGaT Center For Human Genetics Tuebingen Variant Classification Criteria Version 2. Collection method: clinical testing. Allele origin: germline. Affected: yes. Observed: 1 variant allele.
Comment: SYNE2: BP4, BS1

Breakthrough Genomics
Classification: Likely benign. Review status: criteria provided, single submitter. Criteria: ACMG Guidelines, 2015. Collection method: not provided. Allele origin: germline. Inheritance: Autosomal dominant inheritance. Affected: yes.

NM_182914.3(SYNE2):c.14920T>G (p.Ser4974Ala)

Gene: SYNE2 (spectrin repeat containing nuclear envelope protein 2; plus strand). Cytogenetic location: 14q23.2.
Variant type: single nucleotide variant.
Coding change: c.14920T>G on transcript NM_182914.3 (MANE Select); coding-DNA position 14920, T replaced by G.
Protein change: p.Ser4974Ala; replaces serine 4974 with alanine.
Molecular consequence: missense variant.
Genome position (GRCh38, 1-based): chr14:64,140,017, T>G. VCF-style: chr14-64140017-T-G. GRCh37 (hg19) VCF-style: chr14-64606735-T-G.
Other names: c.14920T>G, p.Ser4974Ala (NM_015180.6); short protein forms S4974A.
Identifiers: ClinVar variation 704614 (VCV000704614.32), dbSNP rs142514437, ClinGen allele CA7222915.